The following is an entry in ClinVar:

NC_000014.8:g.(?_21819243)_(21819375_?)del

Gene: RPGRIP1 (RPGR interacting protein 1; plus strand). Cytogenetic location: 14q11.2.
Variant type: Deletion.
Identifiers: ClinVar variation 2426540 (VCV002426540.3).

ClinVar aggregate classification (germline): Likely pathogenic (1 of 4 stars; one submission).

Conditions:
Leber congenital amaurosis 6 (LCA6). Identifiers: Orphanet 65, MedGen C1854260, MONDO:0013446, OMIM 613826.
Cone-rod dystrophy 13 (CORD13). Identifiers: Orphanet 1872, MedGen C2750720, MONDO:0011987, OMIM 608194.

Submission:

Labcorp Genetics (formerly Invitae), Labcorp
Classification: Likely pathogenic for Leber congenital amaurosis 6; Cone-rod dystrophy 13. Last evaluated: 2022-05-10. Review status: criteria provided, single submitter. Criteria: Invitae Variant Classification Sherloc (09022015). Collection method: clinical testing. Allele origin: germline.
Comment: This variant is a gross deletion of the genomic region encompassing exon(s) 24 of the RPGRIP1 gene, which includes the termination codon. This deletion extends beyond the assayed region for this gene and therefore may encompass additional genes. While this deletion is not anticipated to lead to nonsense mediated decay, it is expected to alter mRNA translation or result in a truncated protein product. This variant has not been reported in the literature in individuals affected with RPGRIP1-related conditions. This variant disrupts the C-terminus of the RPGRIP1 protein. Other variant(s) that disrupt this region (p.Val1265Glyfs*19) have been observed in individuals with RPGRIP1-related conditions (PMID: 25412400, 30072743). This suggests that this may be a clinically significant region of the protein. In summary, the currently available evidence indicates that the variant is pathogenic, but additional data are needed to prove that conclusively. Therefore, this variant has been classified as Likely Pathogenic.

Literature cited by the submitters: PubMed 25412400; PubMed 30072743.